The following is an entry in ClinVar:

NM_000350.3(ABCA4):c.2510del (p.Leu837fs)

Gene: ABCA4 (ATP binding cassette subfamily A member 4; minus strand). Cytogenetic location: 1p22.1.
Variant type: Deletion.
Coding change: c.2510del on transcript NM_000350.3 (MANE Select); coding-DNA position 2510, one base deleted (T; older notation c.2510delT).
Protein change: p.Leu837fs; shifts the reading frame from leucine 837.
Molecular consequence: frameshift variant.
Genome position (GRCh38, 1-based): chr1:94,055,188, A deleted on the plus strand (T on the coding strand, the reverse complement: ABCA4 is on the minus strand). VCF-style (leftmost placement, unchanged base first): chr1-94055187-CA-C. GRCh37 (hg19) VCF-style: chr1-94520743-CA-C.
Other names: c.2288del, p.Leu763fs (NM_001425324.1); short protein forms L763fs, L837fs.
Identifiers: ClinVar variation 4982893 (VCV004982893.1).

ClinVar aggregate classification (germline): Likely pathogenic (1 of 4 stars; one submission).

Conditions:
ABCA4-related disorder. Also called: ABCA4-related disorders; ABCA4-related condition. Identifiers: MedGen CN239167.

Submission:

PreventionGenetics, part of Exact Sciences
Classification: Likely pathogenic for ABCA4-related condition. Last evaluated: 2025-05-06. Review status: criteria provided, single submitter. Criteria: ACMG Guidelines, 2015. Collection method: clinical testing. Allele origin: germline.
Comment: The ABCA4 c.2510delT variant is predicted to result in a frameshift and premature protein termination (p.Leu837Argfs*6). This variant has been reported in the heterozygous state in an individual with cone-rod dystrophy (Table S3, Bauwens et al. 2015. PubMed ID: 25346251). This variant has not been reported in a large population database (gnomAD), indicating this variant is rare. Frameshift variants in ABCA4 are expected to be pathogenic. This variant is interpreted as likely pathogenic.